The following is an entry in ClinVar:

ClinVar aggregate classification (germline): Uncertain significance (1 of 4 stars; one submission).

Conditions:
Microcephaly, normal intelligence and immunodeficiency (NBS). Also called: Nijmegen breakage syndrome; Microcephaly with normal intelligence immunodeficiency and lymphoreticular malignancies; Nonsyndromal microcephaly autosomal recessive with normal intelligence; Seemanova syndrome 2; Ataxia telangiectasia variant V1; BERLIN BREAKAGE SYNDROME. Identifiers: Orphanet 647, MedGen C0398791, MONDO:0009623, OMIM 251260.

Submission:

Labcorp Genetics (formerly Invitae), Labcorp
Classification: Uncertain significance for Microcephaly, normal intelligence and immunodeficiency. Last evaluated: 2023-06-14. Review status: criteria provided, single submitter. Criteria: Invitae Variant Classification Sherloc (09022015). Collection method: clinical testing. Allele origin: germline.
Comment: This sequence change replaces lysine, which is basic and polar, with glutamic acid, which is acidic and polar, at codon 233 of the NBN protein (p.Lys233Glu). This variant is not present in population databases (gnomAD no frequency). This variant has not been reported in the literature in individuals affected with NBN-related conditions. An algorithm developed to predict the effect of missense changes on protein structure and function (PolyPhen-2) suggests that this variant is likely to be tolerated. In summary, the available evidence is currently insufficient to determine the role of this variant in disease. Therefore, it has been classified as a Variant of Uncertain Significance.

NM_002485.5(NBN):c.697A>G (p.Lys233Glu)

Gene: NBN (nibrin; minus strand). Cytogenetic location: 8q21.3.
Variant type: single nucleotide variant.
Coding change: c.697A>G on transcript NM_002485.5 (MANE Select); coding-DNA position 697, A replaced by G.
Protein change: p.Lys233Glu; replaces lysine 233 with glutamic acid.
Molecular consequence: missense variant.
Genome position (GRCh38, 1-based): chr8:89,971,178, T>C on the plus strand (A>G on the coding strand, the complement: NBN is on the minus strand). VCF-style: chr8-89971178-T-C. GRCh37 (hg19) VCF-style: chr8-90983406-T-C.
Other names: c.451A>G, p.Lys151Glu (NM_001024688.3); short protein forms K151E, K233E.
Identifiers: ClinVar variation 2859532 (VCV002859532.3), dbSNP rs1554564205, ClinGen allele CA371658929.
Genomic context (GRCh38, chr8:89,971,178, plus strand): 5'-TGTATCCTAGTTTGTAATGTATTCTTTAGGAAAATTTAGCTTATAACATAATTACCTGTT[T>C]GGCATTCAAAAATATAAATGTTTTCCCTTTGAAGATTTGTTTTCTTTCCTGCCGTCCTGA-3'
Protein context (NP_002476.2, residues 223-243): KGKTFIFLNA[Lys233Glu]QHKKLSSAVV